The following is an entry in ClinVar:

NM_000374.5(UROD):c.616C>T (p.Gln206Ter)

Gene: UROD (uroporphyrinogen decarboxylase; plus strand). Cytogenetic location: 1p34.1.
Variant type: single nucleotide variant.
Coding change: c.616C>T on transcript NM_000374.5 (MANE Select); coding-DNA position 616, C replaced by T.
Protein change: p.Gln206Ter; replaces glutamine 206 with a stop codon.
Molecular consequence: nonsense. On other transcripts: non-coding transcript variant (3).
Genome position (GRCh38, 1-based): chr1:45,014,050, C>T. VCF-style: chr1-45014050-C-T. GRCh37 (hg19) VCF-style: chr1-45479722-C-T.
Other names: p.Gln206*; c.616C>T (NM_000374.4); short protein forms Q206*.
Identifiers: ClinVar variation 1457336 (VCV001457336.19), dbSNP rs771824413, ClinGen allele CA825288.

ClinVar aggregate classification (germline): Pathogenic/Likely pathogenic. Review status: criteria provided, multiple submitters, no conflicts (2 of 4 stars). 8 submissions from 8 submitters: Pathogenic (5); Likely pathogenic (2). 1 of the submissions does not count toward it. Last evaluated 2025-08-06.

Conditions:
Familial porphyria cutanea tarda (PCT). Also called: PCT, TYPE II; PORPHYRIA CUTANEA TARDA, TYPE II; PORPHYRIA, HEPATOCUTANEOUS TYPE; UROD DEFICIENCY; UROPORPHYRINOGEN DECARBOXYLASE DEFICIENCY; PCT, ''FAMILIAL'' TYPE. Identifiers: Orphanet 101330, Orphanet 443062, MedGen C0268323, MONDO:0008296, OMIM 176100.
UROD-related phototoxic porphyria. Also called: UROD-related inherited porphyria. Identifiers: MedGen CN315923, MONDO:0100498.
UROD-related disorder. Also called: UROD-related disorders; UROD-related condition.

Allele frequency attached by ClinVar (database versions not stated): gnomAD exomes 0.00001 and 0.00002; gnomAD 0.00001; ExAC 0.00001; TOPMed 0.00002.

Submissions (8):

Labcorp Genetics (formerly Invitae), Labcorp
Classification: Pathogenic. Last evaluated: 2025-08-06. Review status: criteria provided, single submitter. Criteria: Invitae Variant Classification Sherloc (09022015). Collection method: clinical testing. Allele origin: germline.
Comment: This sequence change creates a premature translational stop signal (p.Gln206*) in the UROD gene. It is expected to result in an absent or disrupted protein product. Loss-of-function variants in UROD are known to be pathogenic (PMID: 1634232, 17240319, 19233912, 19419417, 23545314). This variant is present in population databases (rs771824413, gnomAD 0.003%). This premature translational stop signal has been observed in individual(s) with autosomal dominant porphyria cutanea tarda (PMID: 11295834). ClinVar contains an entry for this variant (Variation ID: 1457336). Algorithms developed to predict the effect of sequence changes on RNA splicing suggest that this variant may disrupt the consensus splice site. For these reasons, this variant has been classified as Pathogenic.

Victorian Clinical Genetics Services, Murdoch Childrens Research Institute
Classification: Pathogenic for UROD-related phototoxic porphyria. Last evaluated: 2024-11-08. Review status: criteria provided, single submitter. Criteria: ACMG Guidelines, 2015. Collection method: clinical testing. Allele origin: germline. Affected: no.
Comment: This variant is classified as Pathogenic. Evidence in support of pathogenic classification: Variant is predicted to cause nonsense-mediated decay (NMD) and loss of protein (premature termination codon is located at least 54 nucleotides upstream of the final exon-exon junction); Variant is present in gnomAD <0.01 (v4: 22 heterozygote(s), 0 homozygote(s)); This variant has strong previous evidence of pathogenicity in unrelated individuals. This variant has been classified as pathogenic or likely pathogenic by multiple clinical laboratories (ClinVar) and has been identified in heterozygous individuals with porphyria cutanea tarda in whom symptoms developed after a reduction in hepatic function (PMID: 34367815); Other premature termination variants comparable to the one identified in this case have very strong previous evidence for pathogenicity. Many NMD-predicted variants have been classified as pathogenic or likely pathogenic by clinical laboratories (ClinVar). Additional information: This variant is heterozygous; This gene is associated with both recessive and dominant disease (OMIM); Loss of function is a known mechanism of disease in this gene and is associated with hepatoerythropoietic porphyria (MIM#176100) and porphyria cutanea tarda (MIM#176100); The autosomal dominant condition associated with this gene has incomplete penetrance (OMIM).

Mayo Clinic Laboratories, Mayo Clinic
Classification: Pathogenic. Last evaluated: 2024-05-17. Review status: criteria provided, single submitter. Criteria: ACMG Guidelines, 2015. Collection method: clinical testing. Allele origin: germline. Observed: 3 variant alleles.
Comment: PP4, PS3, PS4_moderate, PVS1

Institute of Human Genetics, University of Leipzig Medical Center
Classification: Pathogenic for Familial porphyria cutanea tarda. Last evaluated: 2023-03-01. Review status: criteria provided, single submitter. Criteria: ACMG Guidelines, 2015. Collection method: clinical testing. Allele origin: unknown. Affected: yes.
Comment: _x000D_ Criteria applied: PVS1, PS4_MOD

Revvity Omics, Revvity
Classification: Likely pathogenic for Familial porphyria cutanea tarda. Last evaluated: 2022-11-07. Review status: criteria provided, single submitter. Criteria: ACMG Guidelines, 2015. Collection method: clinical testing. Allele origin: germline.

Mendelics
Classification: Pathogenic for Familial porphyria cutanea tarda. Last evaluated: 2022-05-04. Review status: criteria provided, single submitter. Criteria: Mendelics Assertion Criteria 2019. Collection method: clinical testing. Allele origin: germline.

Blueprint Genetics
Classification: Likely pathogenic for UROD-related disorders. Last evaluated: 2021-01-18. Review status: criteria provided, single submitter. Criteria: ACMG Guidelines, 2015. Collection method: clinical testing. Allele origin: germline. Affected: yes. Observed: 2 variant alleles.

PreventionGenetics, part of Exact Sciences
Classification: Pathogenic for UROD-related condition. Last evaluated: 2024-05-03. Review status: no assertion criteria provided. Collection method: clinical testing. Allele origin: germline. Not counted in ClinVar's aggregate classification.
Comment: The UROD c.616C>T variant is predicted to result in premature protein termination (p.Gln206*). This variant has previously been reported to be causative for porphyria cutanea tarda (Anderson HB et al 2021. PubMed ID: 34367815; Cappellini MD et al 2001. PubMed ID: 11295834). This variant is reported in 0.0035% of alleles in individuals of European (Non-Finnish) descent in gnomAD. Nonsense variants in UROD are expected to be pathogenic. This variant is interpreted as pathogenic.

Literature cited by the submitters: PubMed 1634232 (cited by Labcorp Genetics (formerly Invitae), Labcorp); PubMed 17240319 (cited by Labcorp Genetics (formerly Invitae), Labcorp); PubMed 19233912 (cited by Labcorp Genetics (formerly Invitae), Labcorp); PubMed 19419417 (cited by Labcorp Genetics (formerly Invitae), Labcorp); PubMed 23545314 (cited by Labcorp Genetics (formerly Invitae), Labcorp); PubMed 11295834 (cited by Labcorp Genetics (formerly Invitae), Labcorp and Mayo Clinic Laboratories, Mayo Clinic); PubMed 34367815 (cited by Victorian Clinical Genetics Services, Murdoch Childrens Research Institute and Mayo Clinic Laboratories, Mayo Clinic); PubMed 11202053 (cited by Mayo Clinic Laboratories, Mayo Clinic); PubMed 15186324 (cited by Mayo Clinic Laboratories, Mayo Clinic); PubMed 16095052 (cited by Mayo Clinic Laboratories, Mayo Clinic); PubMed 25525159 (cited by Mayo Clinic Laboratories, Mayo Clinic); PubMed 30514647 (cited by Mayo Clinic Laboratories, Mayo Clinic).